The following is an entry in ClinVar:

ClinVar aggregate classification (germline): Uncertain significance. Review status: criteria provided, multiple submitters, no conflicts (2 of 4 stars). 2 submissions from 2 submitters: Uncertain significance (2). Last evaluated 2024-12-16.

Conditions:
Inborn genetic diseases. Identifiers: MedGen C0950123, MeSH D030342.

Submissions (2):

Ambry Genetics
Classification: Uncertain significance for Inborn genetic diseases. Last evaluated: 2024-12-16. Review status: criteria provided, single submitter. Criteria: Ambry Variant Classification Scheme 2023. Collection method: clinical testing. Allele origin: germline.

GeneDx
Classification: Uncertain significance. Last evaluated: 2024-04-26. Review status: criteria provided, single submitter. Criteria: GeneDx Variant Classification Process June 2021. Collection method: clinical testing. Allele origin: germline. Affected: yes.
Comment: Not observed at significant frequency in large population cohorts (gnomAD); In silico analysis supports that this missense variant has a deleterious effect on protein structure/function; Has not been previously published as pathogenic or benign to our knowledge

NM_000092.5(COL4A4):c.4544C>A (p.Pro1515His)

Gene: COL4A4 (collagen type IV alpha 4 chain; minus strand). Cytogenetic location: 2q36.3.
Variant type: single nucleotide variant.
Coding change: c.4544C>A on transcript NM_000092.5 (MANE Select); coding-DNA position 4544, C replaced by A.
Protein change: p.Pro1515His; replaces proline 1515 with histidine.
Molecular consequence: missense variant.
Genome position (GRCh38, 1-based): chr2:227,008,283, G>T on the plus strand (C>A on the coding strand, the complement: COL4A4 is on the minus strand). VCF-style: chr2-227008283-G-T. GRCh37 (hg19) VCF-style: chr2-227872999-G-T.
Other names: short protein forms P1515H.
Identifiers: ClinVar variation 3375816 (VCV003375816.2).